The following is an entry in ClinVar:

NM_013266.4(CTNNA3):c.1596T>G (p.Asn532Lys)

Gene: CTNNA3 (catenin alpha 3; minus strand). Cytogenetic location: 10q21.3.
Variant type: single nucleotide variant.
Coding change: c.1596T>G on transcript NM_013266.4 (MANE Select); coding-DNA position 1596, T replaced by G.
Protein change: p.Asn532Lys; replaces asparagine 532 with lysine.
Molecular consequence: missense variant.
Genome position (GRCh38, 1-based): chr10:66,379,288, A>C on the plus strand (T>G on the coding strand, the complement: CTNNA3 is on the minus strand). VCF-style: chr10-66379288-A-C. GRCh37 (hg19) VCF-style: chr10-68139046-A-C.
Other names: c.1596T>G, p.Asn532Lys (NM_001127384.3); short protein forms N532K.
Identifiers: ClinVar variation 2626578 (VCV002626578.2), dbSNP rs2092818573, ClinGen allele CA377090463.

ClinVar aggregate classification (germline): Uncertain significance (1 of 4 stars; one submission).

Allele frequency attached by ClinVar (database versions not stated): gnomAD exomes below 0.00001.
gnomAD v4.1: 2 of 1,614,146 alleles (0.00012%); highest among the groups gnomAD compares: Non-Finnish European, 0.000085%; no homozygotes.

Submission:

Ambry Genetics
Classification: Uncertain significance. Last evaluated: 2023-08-25. Review status: criteria provided, single submitter. Criteria: Ambry Variant Classification Scheme 2023. Collection method: clinical testing. Allele origin: germline.
Comment: The p.N532K variant (also known as c.1596T>G), located in coding exon 11 of the CTNNA3 gene, results from a T to G substitution at nucleotide position 1596. The asparagine at codon 532 is replaced by lysine, an amino acid with similar properties. This amino acid position is conserved. In addition, this alteration is predicted to be tolerated by in silico analysis. Since supporting evidence is limited at this time, the clinical significance of this alteration remains unclear.